The following is an entry in ClinVar:

ClinVar aggregate classification (germline): Likely pathogenic (1 of 4 stars; one submission).

Conditions:
Cardiovascular phenotype. Identifiers: MedGen CN230736.

Submission:

Ambry Genetics
Classification: Likely pathogenic for Cardiovascular phenotype. Last evaluated: 2025-05-29. Review status: criteria provided, single submitter. Criteria: Ambry Variant Classification Scheme 2023. Collection method: clinical testing. Allele origin: germline.
Comment: The c.28409dupG alteration, located in exon 115 (coding exon 114) of the TTN gene, consists of a duplication of G at position 28409, causing a translational frameshift with a predicted alternate stop codon after 8 amino acids. This alteration is expected to result in loss of function by premature protein truncation or nonsense-mediated mRNA decay. This variant was not reported in population-based cohorts in the Genome Aggregation Database (gnomAD). This exon is located in the A-band region of the N2-B isoform of the titin protein and is constitutively expressed in TTN transcripts (percent spliced in or PSI 100%). While truncating variants in TTN are present in 1-3% of the general population, truncating variants in the A-band are the most common cause of dilated cardiomyopathy (Herman, 2012; Roberts, 2015). TTN truncating variants encoded in constitutive exons (PSI >90%) have been found to be significantly associated with DCM regardless of their position in titin (Schafer, 2017; Akhtar, 2020; Massier, 2025). Based on the available evidence, this alteration is classified as likely pathogenic.

Literature cited by the submitters: PubMed 22335739; PubMed 25589632; PubMed 27869827; PubMed 32964742; PubMed 39844436.

NM_001267550.2(TTN):c.55604dup (p.Ser18535fs)

Genes: TTN (titin; minus strand), TTN-AS1 (TTN antisense RNA 1; plus strand). Cytogenetic location: 2q31.2.
Variant type: Duplication.
Coding change: c.55604dup on transcript NM_001267550.2 (MANE Select); coding-DNA position 55604, one base duplicated (G; older notation c.55604dupG).
Protein change: p.Ser18535fs; shifts the reading frame from serine 18535.
Molecular consequence: frameshift variant.
Genome position (GRCh38, 1-based): chr2:178,601,393, C duplicated on the plus strand (G on the coding strand, the reverse complement: TTN is on the minus strand). VCF-style (leftmost placement, unchanged base first): chr2-178601392-G-GC. GRCh37 (hg19) VCF-style: chr2-179466119-G-GC.
Other names: c.50681dup, p.Ser16894fs (NM_001256850.1); c.28409dup, p.Ser9470fs (NM_003319.4); c.47900dup, p.Ser15967fs (NM_133378.4); c.28784dup, p.Ser9595fs (NM_133432.3); c.28985dup, p.Ser9662fs (NM_133437.4); c.28409dupG (NM_003319.4); short protein forms S16894fs, S18535fs, S9662fs, S9470fs, S9595fs, S15967fs.
Identifiers: ClinVar variation 3975870 (VCV003975870.1).
Genomic context (GRCh38, chr2:178,601,392, plus strand): 5'-TGCTCGCACACGGAAGAAATATTGCTGTTCAGAGAGGAGATCAGGCACTACAAATGTGGT[G>GC]CTTCCACAGTCTGGATTGACTTTGGTCCAGGCTTTTCCATCAATAGTCCTCTTCTCAATA-3'